The following is an entry in ClinVar:

NM_000260.4(MYO7A):c.3536T>A (p.Leu1179Gln)

Gene: MYO7A (myosin VIIA; plus strand). Cytogenetic location: 11q13.5.
Variant type: single nucleotide variant.
Coding change: c.3536T>A on transcript NM_000260.4 (MANE Select); coding-DNA position 3536, T replaced by A.
Protein change: p.Leu1179Gln; replaces leucine 1179 with glutamine.
Molecular consequence: missense variant.
Genome position (GRCh38, 1-based): chr11:77,189,376, T>A. VCF-style: chr11-77189376-T-A. GRCh37 (hg19) VCF-style: chr11-76900421-T-A.
Other names: c.3536T>A, p.Leu1179Gln (NM_001127180.2); c.3503T>A, p.Leu1168Gln (NM_001369365.1); short protein forms L1179Q, L1168Q.
Identifiers: ClinVar variation 504646 (VCV000504646.16), dbSNP rs199918940, ClinGen allele CA6198108.

ClinVar aggregate classification (germline): Uncertain significance. Review status: criteria provided, multiple submitters, no conflicts (2 of 4 stars). 10 submissions from 8 submitters: Uncertain significance (8). 2 of the submissions do not count toward it. Last evaluated 2025-07-24.

Conditions:
MYO7A-related disorder. Also called: MYO7A-related disorders.
Inborn genetic diseases. Identifiers: MedGen C0950123, MeSH D030342.
Autosomal dominant nonsyndromic hearing loss 11. Identifiers: Orphanet 90635, MedGen C1832475, MONDO:0011032, OMIM 601317.
Usher syndrome type 1B (USH1B). Also called: Usher syndrome type IB. Identifiers: MedGen C1848638, MONDO:0700087.
Autosomal recessive nonsyndromic hearing loss 2. Also called: DEAFNESS, AUTOSOMAL RECESSIVE 2; NEUROSENSORY NONSYNDROMIC RECESSIVE DEAFNESS 2. Identifiers: Orphanet 90636, MedGen C1838701, MONDO:0010807, OMIM 600060.
Usher syndrome type 1 (USH1). Also called: RETINITIS PIGMENTOSA AND CONGENITAL DEAFNESS. Identifiers: Orphanet 231169, Orphanet 886, MedGen C1568247, MONDO:0010168, OMIM 276900.

Allele frequency attached by ClinVar (database versions not stated): TOPMed 0.00008; gnomAD 0.00014; ESP Exome Variant Server 0.00016; gnomAD exomes 0.00020 and 0.00022; ExAC 0.00029.
gnomAD v4.1: 309 of 1,613,678 alleles (0.019%); highest among the groups gnomAD compares: Non-Finnish European, 0.021%; no homozygotes.

Submissions (10):

Myriad Genetics, Inc.
Classification: Uncertain significance for Usher syndrome type 1. Last evaluated: 2025-07-24. Review status: criteria provided, single submitter. Criteria: Myriad Autosomal Dominant, Autosomal Recessive and X-Linked Classification Criteria (2023). Collection method: clinical testing. Allele origin: unknown.
Comment: NM_000260.3(MYO7A):c.3536T>A(L1179Q) is a missense variant classified as a variant of uncertain significance in the context of MYO7A-related disorders. L1179Q has been observed in a case with relevant disease (PMID: 39422539). Relevant functional assessments of this variant are not available in the literature. L1179Q has been observed in referenced population frequency databases. In summary, there is insufficient evidence to classify NM_000260.3(MYO7A):c.3536T>A(L1179Q) as pathogenic or benign. Please note: this variant was assessed in the context of healthy population screening.

Labcorp Genetics (formerly Invitae), Labcorp
Classification: Uncertain significance. Last evaluated: 2024-11-18. Review status: criteria provided, single submitter. Criteria: Invitae Variant Classification Sherloc (09022015). Collection method: clinical testing. Allele origin: germline.
Comment: This sequence change replaces leucine, which is neutral and non-polar, with glutamine, which is neutral and polar, at codon 1179 of the MYO7A protein (p.Leu1179Gln). This variant is present in population databases (rs199918940, gnomAD 0.09%). This variant has not been reported in the literature in individuals affected with MYO7A-related conditions. ClinVar contains an entry for this variant (Variation ID: 504646). Invitae Evidence Modeling of protein sequence and biophysical properties (such as structural, functional, and spatial information, amino acid conservation, physicochemical variation, residue mobility, and thermodynamic stability) indicates that this missense variant is expected to disrupt MYO7A protein function with a positive predictive value of 95%. In summary, the available evidence is currently insufficient to determine the role of this variant in disease. Therefore, it has been classified as a Variant of Uncertain Significance.

Ambry Genetics
Classification: Uncertain significance for Inborn genetic diseases. Last evaluated: 2024-05-14. Review status: criteria provided, single submitter. Criteria: Ambry Variant Classification Scheme 2023. Collection method: clinical testing. Allele origin: germline.

Blueprint Genetics
Classification: Uncertain significance. Last evaluated: 2024-04-26. Review status: criteria provided, single submitter. Criteria: ACMG Guidelines, 2015. Collection method: clinical testing. Allele origin: germline.

Illumina Laboratory Services, Illumina
Classification: Uncertain significance for Autosomal dominant nonsyndromic hearing loss 11. Last evaluated: 2018-01-13. Review status: criteria provided, single submitter. Criteria: ICSL Variant Classification Criteria 13 December 2019. Collection method: clinical testing. Allele origin: germline.

Illumina Laboratory Services, Illumina
Classification: Uncertain significance for Autosomal recessive nonsyndromic hearing loss 2. Last evaluated: 2018-01-13. Review status: criteria provided, single submitter. Criteria: ICSL Variant Classification Criteria 13 December 2019. Collection method: clinical testing. Allele origin: germline.

Illumina Laboratory Services, Illumina
Classification: Uncertain significance for Usher syndrome type 1. Last evaluated: 2018-01-13. Review status: criteria provided, single submitter. Criteria: ICSL Variant Classification Criteria 13 December 2019. Collection method: clinical testing. Allele origin: germline.

Laboratory for Molecular Medicine, Mass General Brigham Personalized Medicine
Classification: Uncertain significance. Last evaluated: 2017-03-20. Review status: criteria provided, single submitter. Criteria: LMM Criteria. Collection method: clinical testing. Allele origin: germline. Observed: 1 variant allele.
Comment: The p.Leu1179Gln variant in MYO7A has not been previously reported in individual s with hearing loss, but was identified in 0.1% (4/6610) of Finnish chromosomes and 30/66136 European chromosomes by the Exome Aggregation Consortium (ExAC; dbSNP rs199918940). Although this variant has been seen in the general population, its frequency is not high enough to rule out a p athogenic role. Computational prediction tools and conservation analysis suggest that the variant may impact the protein, though this information is not predict ive enough to determine pathogenicity. In summary, the clinical significance of the p.Leu1179Gln variant is uncertain.

PreventionGenetics, part of Exact Sciences
Classification: Uncertain significance for MYO7A-related condition. Last evaluated: 2024-08-07. Review status: no assertion criteria provided. Collection method: clinical testing. Allele origin: germline. Not counted in ClinVar's aggregate classification.
Comment: The MYO7A c.3536T>A variant is predicted to result in the amino acid substitution p.Leu1179Gln. To our knowledge, this variant has not been reported in the literature. This variant is reported in 0.084% of alleles in individuals of European (Finnish) descent in gnomAD, which may be too common to be a primary cause of disease. Although we suspect that this variant may be benign, at this time, the clinical significance of this variant is uncertain due to the absence of conclusive functional and genetic evidence.

Natera, Inc.
Classification: Uncertain significance for Usher syndrome type 1B. Last evaluated: 2019-11-11. Review status: no assertion criteria provided. Collection method: clinical testing. Allele origin: germline. Not counted in ClinVar's aggregate classification.

Literature cited by the submitters: PubMed 39422539 (cited by Myriad Genetics, Inc.).